The following is an entry in ClinVar:

ClinVar aggregate classification (germline): Uncertain significance. Review status: criteria provided, multiple submitters, no conflicts (2 of 4 stars). 2 submissions from 2 submitters: Uncertain significance (2). Last evaluated 2025-08-07.

Conditions:
Inborn genetic diseases. Identifiers: MedGen C0950123, MeSH D030342.

Allele frequency attached by ClinVar (database versions not stated): ExAC 0.00002; gnomAD 0.00003; TOPMed 0.00007; gnomAD exomes 0.00013.
gnomAD v4.1: 198 of 1,613,886 alleles (0.012%); highest among the groups gnomAD compares: Non-Finnish European, 0.016%; no homozygotes.

Submissions (2):

Ambry Genetics
Classification: Uncertain significance for Inborn genetic diseases. Last evaluated: 2025-08-07. Review status: criteria provided, single submitter. Criteria: Ambry Variant Classification Scheme 2023. Collection method: clinical testing. Allele origin: germline.

Labcorp Genetics (formerly Invitae), Labcorp
Classification: Uncertain significance. Last evaluated: 2022-08-16. Review status: criteria provided, single submitter. Criteria: Invitae Variant Classification Sherloc (09022015). Collection method: clinical testing. Allele origin: germline.
Comment: This sequence change replaces histidine, which is basic and polar, with aspartic acid, which is acidic and polar, at codon 30 of the SLC12A1 protein (p.His30Asp). This variant is present in population databases (rs199719506, gnomAD 0.009%). This variant has not been reported in the literature in individuals affected with SLC12A1-related conditions. Algorithms developed to predict the effect of missense changes on protein structure and function (SIFT, PolyPhen-2, Align-GVGD) all suggest that this variant is likely to be tolerated. In summary, the available evidence is currently insufficient to determine the role of this variant in disease. Therefore, it has been classified as a Variant of Uncertain Significance.

NM_000338.3(SLC12A1):c.88C>G (p.His30Asp)

Gene: SLC12A1 (solute carrier family 12 member 1; plus strand). Cytogenetic location: 15q21.1.
Variant type: single nucleotide variant.
Coding change: c.88C>G on transcript NM_000338.3 (MANE Select); coding-DNA position 88, C replaced by G.
Protein change: p.His30Asp; replaces histidine 30 with aspartic acid.
Molecular consequence: missense variant.
Genome position (GRCh38, 1-based): chr15:48,207,807, C>G. VCF-style: chr15-48207807-C-G. GRCh37 (hg19) VCF-style: chr15-48500004-C-G.
Other names: c.88C>G, p.His30Asp (NM_001184832.2, NM_001384136.1); short protein forms H30D.
Identifiers: ClinVar variation 1979319 (VCV001979319.3), dbSNP rs199719506, ClinGen allele CA7546686.
Genomic context (GRCh38, chr15:48,207,807, plus strand): 5'-TTTCTGGATTCAGTGCCCAGTAATACCAATCGCTTTCAAGTTAGTGTCATAAATGAGAAC[C>G]ATGAGAGCAGTGCAGCTGCAGATGACAATACTGACCCACCACATTATGAAGAAACCTCTT-3'
Protein context (NP_000329.2, residues 20-40): RFQVSVINEN[His30Asp]ESSAAADDNT